The following is an entry in ClinVar:

ClinVar aggregate classification (germline): Uncertain significance. Review status: criteria provided, multiple submitters, no conflicts (2 of 4 stars). 4 submissions from 4 submitters: Uncertain significance (4). Last evaluated 2025-12-16.

Conditions:
Hereditary cancer-predisposing syndrome. Also called: Neoplastic Syndromes, Hereditary; Tumor predisposition; Hereditary Cancer Syndrome; Hereditary neoplastic syndrome. Identifiers: Orphanet 140162, MedGen C0027672, MeSH D009386, MONDO:0015356.
MSH3-related disorder. Also called: MSH3-related condition.

Allele frequency attached by ClinVar (database versions not stated): gnomAD 0.00001; TOPMed 0.00001; ExAC 0.00002; gnomAD exomes 0.00002 and 0.00003.
gnomAD v4.1: 18 of 1,613,888 alleles (0.0011%); highest among the groups gnomAD compares: Middle Eastern, 0.033%; 1 homozygote.

Submissions (4):

Labcorp Genetics (formerly Invitae), Labcorp
Classification: Uncertain significance. Last evaluated: 2025-12-16. Review status: criteria provided, single submitter. Criteria: Invitae Variant Classification Sherloc (09022015). Collection method: clinical testing. Allele origin: germline.
Comment: This sequence change replaces isoleucine, which is neutral and non-polar, with valine, which is neutral and non-polar, at codon 973 of the MSH3 protein (p.Ile973Val). This variant is present in population databases (rs762608251, gnomAD 0.005%). This variant has not been reported in the literature in individuals affected with MSH3-related conditions. ClinVar contains an entry for this variant (Variation ID: 649217). An algorithm developed to predict the effect of missense changes on protein structure and function (PolyPhen-2) suggests that this variant is likely to be disruptive. In summary, the available evidence is currently insufficient to determine the role of this variant in disease. Therefore, it has been classified as a Variant of Uncertain Significance.

Ambry Genetics
Classification: Uncertain significance for Hereditary cancer-predisposing syndrome. Last evaluated: 2025-07-18. Review status: criteria provided, single submitter. Criteria: Ambry Variant Classification Scheme 2023. Collection method: clinical testing. Allele origin: germline.
Comment: The p.I973V variant (also known as c.2917A>G), located in coding exon 21 of the MSH3 gene, results from an A to G substitution at nucleotide position 2917. The isoleucine at codon 973 is replaced by valine, an amino acid with highly similar properties. This amino acid position is highly conserved in available vertebrate species. In addition, the in silico prediction for this alteration is inconclusive. Based on the available evidence, the clinical significance of this variant remains unclear.

PreventionGenetics, part of Exact Sciences
Classification: Uncertain significance for MSH3-related condition. Last evaluated: 2023-06-13. Review status: criteria provided, single submitter. Criteria: ACMG Guidelines, 2015. Collection method: clinical testing. Allele origin: germline.
Comment: The MSH3 c.2917A>G variant is predicted to result in the amino acid substitution p.Ile973Val. This variant was reported in an individual with breast cancer from a large cohort study; however, no additional evidence was provided to support causation (Sandoval et al. 2021. PubMed ID: 33606809. Table S4). This variant is reported in 0.0035% of alleles in individuals of European (Non-Finnish) descent in gnomAD. This variant is interpreted as uncertain significance in ClinVar. At this time, the clinical significance of this variant is uncertain due to the absence of conclusive functional and genetic evidence.

Sema4
Classification: Uncertain significance for Hereditary cancer-predisposing syndrome. Last evaluated: 2022-02-15. Review status: criteria provided, single submitter. Criteria: Sema4 Curation Guidelines. Collection method: curation. Allele origin: germline.
Comment: The MSH3 c.2917A>G (p.I973V) has been reported in at least one individual with breast cancer (PMID: 33606809). This variant was observed in 4/113444 chromosomes in the Non-Finnish European population, including one homozygote among all ethnicities, according to the Genome Aggregation Database (PMID: 32461654). The variant has been reported in ClinVar (Variation ID: 649217). Functional studies have not been performed, and in silico predictions of the variant's effect on protein function are inconclusive. The evidence is insufficient to meet ACMG/AMP criteria for classifying the variant as benign or pathogenic. Thus, the clinical significance of this variant is currently uncertain.

Literature cited by the submitters: PubMed 33606809 (cited by Sema4).

NM_002439.5(MSH3):c.2917A>G (p.Ile973Val)

Gene: MSH3 (mutS homolog 3; plus strand). Cytogenetic location: 5q14.1.
Variant type: single nucleotide variant.
Coding change: c.2917A>G on transcript NM_002439.5 (MANE Select); coding-DNA position 2917, A replaced by G.
Protein change: p.Ile973Val; replaces isoleucine 973 with valine.
Molecular consequence: missense variant.
Genome position (GRCh38, 1-based): chr5:80,854,233, A>G. VCF-style: chr5-80854233-A-G. GRCh37 (hg19) VCF-style: chr5-80150052-A-G.
Other names: short protein forms I973V.
Identifiers: ClinVar variation 649217 (VCV000649217.16), dbSNP rs762608251, ClinGen allele CA3328397.